The following is an entry in ClinVar:

ClinVar aggregate classification (germline): Uncertain significance (1 of 4 stars; one submission).

Submission:

GeneDx
Classification: Uncertain significance. Last evaluated: 2024-06-03. Review status: criteria provided, single submitter. Criteria: GeneDx Variant Classification Process June 2021. Collection method: clinical testing. Allele origin: germline. Affected: yes.
Comment: Not observed at significant frequency in large population cohorts (gnomAD); In silico analysis indicates that this missense variant does not alter protein structure/function; Has not been previously published as pathogenic or benign to our knowledge

NM_006015.6(ARID1A):c.809G>T (p.Arg270Leu)

Genes: ARID1A (AT-rich interaction domain 1A; plus strand), LOC129929837 (ATAC-STARR-seq lymphoblastoid silent region 489; plus strand). Cytogenetic location: 1p36.11.
Variant type: single nucleotide variant.
Coding change: c.809G>T on transcript NM_006015.6 (MANE Select); coding-DNA position 809, G replaced by T.
Protein change: p.Arg270Leu; replaces arginine 270 with leucine.
Molecular consequence: missense variant.
Genome position (GRCh38, 1-based): chr1:26,697,212, G>T. VCF-style: chr1-26697212-G-T. GRCh37 (hg19) VCF-style: chr1-27023703-G-T.
Other names: c.809G>T, p.Arg270Leu (NM_139135.4); short protein forms R270L.
Identifiers: ClinVar variation 3384543 (VCV003384543.1).